The following is an entry in ClinVar:

NM_000377.3(WAS):c.1073G>A (p.Gly358Glu)

Gene: WAS (WASP actin nucleation promoting factor; plus strand). Cytogenetic location: Xp11.23.
Variant type: single nucleotide variant.
Coding change: c.1073G>A on transcript NM_000377.3 (MANE Select); coding-DNA position 1073, G replaced by A.
Protein change: p.Gly358Glu; replaces glycine 358 with glutamic acid.
Molecular consequence: missense variant.
Genome position (GRCh38, 1-based): chrX:48,688,801, G>A. VCF-style: chrX-48688801-G-A. GRCh37 (hg19) VCF-style: chrX-48547190-G-A.
Other names: short protein forms G358E.
Identifiers: ClinVar variation 1525244 (VCV001525244.6), dbSNP rs267606468, ClinGen allele CA329102214.

ClinVar aggregate classification (germline): Uncertain significance (1 of 4 stars; one submission).

Conditions:
Thrombocytopenia 1. Also called: THROMBOCYTOPENIA, X-LINKED, 1; X-linked thrombocytopenia with normal platelets; X-Linked Thrombocytopenia (XLT). Identifiers: Orphanet 268322, Orphanet 852, MedGen C1839163, MONDO:0010743, OMIM 313900.
Wiskott-Aldrich syndrome (WAS). Also called: ALDRICH SYNDROME; IMMUNODEFICIENCY 2; WISKOTT-ALDRICH SYNDROME 1; Wiskott-aldrich syndrome, somatic. Identifiers: Orphanet 906, MedGen C0043194, MONDO:0010518, OMIM 301000.
X-linked severe congenital neutropenia (SCNX). Identifiers: Orphanet 86788, MedGen C1845987, MONDO:0010294, OMIM 300299.

Submission:

Labcorp Genetics (formerly Invitae), Labcorp
Classification: Uncertain significance for Wiskott-Aldrich syndrome; X-linked severe congenital neutropenia; Thrombocytopenia 1. Last evaluated: 2020-11-04. Review status: criteria provided, single submitter. Criteria: Invitae Variant Classification Sherloc (09022015). Collection method: clinical testing. Allele origin: germline.
Comment: The frequency data for this variant in the population databases is considered unreliable, as metrics indicate insufficient coverage at this position in the ExAC database. This sequence change replaces glycine with glutamic acid at codon 358 of the WAS protein (p.Gly358Glu). The glycine residue is weakly conserved and there is a moderate physicochemical difference between glycine and glutamic acid. This variant has not been reported in the literature in individuals with WAS-related conditions. Experimental studies and prediction algorithms are not available or were not evaluated, and the functional significance of this variant is currently unknown. In summary, the available evidence is currently insufficient to determine the role of this variant in disease. Therefore, it has been classified as a Variant of Uncertain Significance.